The following is an entry in ClinVar:

ClinVar aggregate classification (germline): Pathogenic/Likely pathogenic. Review status: criteria provided, multiple submitters, no conflicts (2 of 4 stars). 4 submissions from 4 submitters: Pathogenic (1); Likely pathogenic (2). 1 of the submissions does not count toward it. Last evaluated 2025-04-17.

Conditions:
Early-onset progressive encephalopathy-hearing loss-pons hypoplasia-brain atrophy syndrome. Also called: ENCEPHALOPATHY, PROGRESSIVE, EARLY-ONSET, WITH BRAIN ATROPHY AND SPASTICITY. Identifiers: Orphanet 500144, MedGen C5567229, MONDO:0044696, OMIM 617669.
Progressive childhood encephalopathy.
Inborn genetic diseases. Identifiers: MedGen C0950123, MeSH D030342.

Allele frequency attached by ClinVar (database versions not stated): ExAC 0.00001; gnomAD 0.00001; gnomAD exomes 0.00001; TOPMed 0.00001.
gnomAD v4.1: 16 of 1,613,906 alleles (0.00099%); highest among the groups gnomAD compares: Admixed American, 0.005%; no homozygotes.

Submissions (4):

3billion
Classification: Likely pathogenic for Early-onset progressive encephalopathy-hearing loss-pons hypoplasia-brain atrophy syndrome. Last evaluated: 2025-04-17. Review status: criteria provided, single submitter. Criteria: ACMG Guidelines, 2015. Collection method: clinical testing. Allele origin: germline. Affected: yes.

Ambry Genetics
Classification: Likely pathogenic for Inborn genetic diseases. Last evaluated: 2022-10-21. Review status: criteria provided, single submitter. Criteria: Ambry Variant Classification Scheme 2023. Collection method: clinical testing. Allele origin: germline.
Comment: The c.1880C>T (p.A627V) alteration is located in exon 11 (coding exon 10) of the TRAPPC12 gene. This alteration results from a C to T substitution at nucleotide position 1880, causing the alanine (A) at amino acid position 627 to be replaced by a valine (V). Based on data from gnomAD, the T allele has an overall frequency of 0.001% (2/251372) total alleles studied. The highest observed frequency was 0.006% (2/34580) of Latino alleles. The c.1880C>T (p.A627V) alteration was reported in trans with a frameshift alteration in a pair of siblings who presented with a severe neurodevelopmental disorder consisting of global developmental delay with regression, truncal hypotonia, appendicular spasticity, cortical visual impairment, hearing loss, microcephaly, feeding difficulties, hearing loss, pons hypoplasia, agenesis of the corpus callosum, and marked brain atrophy (Milev, 2017). The c.1880C>T (p.A627V) was also detected in the homozygous state in an individual with severe global developmental delay, axial hypotonia, appendicular hypertonia, feeding difficulties, seizures, congenital microcephaly, ventriculomegaly, progressive severe cerebral atrophy, moderate cerebellar atrophy, and simplified frontal gyri (Aslanger, 2020). This amino acid position is highly conserved in available vertebrate species. The in silico prediction for this alteration is inconclusive. Based on the available evidence, this alteration is classified as likely pathogenic.

UW Hindbrain Malformation Research Program, University of Washington
Classification: Pathogenic for Progressive childhood encephalopathy. Last evaluated: 2017-05-01. Review status: criteria provided, single submitter. Criteria: Milev et al. (Am J Hum Genet. 2017). Collection method: research. Allele origin: maternal. Affected: yes.

OMIM
Classification: Pathogenic for ENCEPHALOPATHY, PROGRESSIVE, EARLY-ONSET, WITH BRAIN ATROPHY AND SPASTICITY. Last evaluated: 2017-09-18. Review status: no assertion criteria provided. Collection method: literature only. Allele origin: germline. Not counted in ClinVar's aggregate classification.

Literature cited by the submitters: PubMed 28777934 (cited by 3 submitters); PubMed 32369837 (cited by Ambry Genetics).

NM_016030.6(TRAPPC12):c.1880C>T (p.Ala627Val)

Genes: TRAPPC12 (trafficking protein particle complex subunit 12; plus strand), TRAPPC12-AS1 (TRAPPC12 antisense RNA 1; minus strand). Cytogenetic location: 2p25.3.
Variant type: single nucleotide variant.
Coding change: c.1880C>T on transcript NM_016030.6 (MANE Select); coding-DNA position 1880, C replaced by T.
Protein change: p.Ala627Val; replaces alanine 627 with valine.
Molecular consequence: missense variant.
Genome position (GRCh38, 1-based): chr2:3,478,848, C>T. VCF-style: chr2-3478848-C-T. GRCh37 (hg19) VCF-style: chr2-3482619-C-T.
Other names: TRAPPC12, ALA627VAL (rs768950892); c.1880C>T, p.Ala627Val (NM_001321102.2); short protein forms A627V.
Identifiers: ClinVar variation 430823 (VCV000430823.8), dbSNP rs768950892, ClinGen allele CA1515709.